The following is an entry in ClinVar:

NM_007055.4(POLR3A):c.1366G>A (p.Asp456Asn)

Gene: POLR3A (RNA polymerase III subunit A; minus strand). Cytogenetic location: 10q22.3.
Variant type: single nucleotide variant.
Coding change: c.1366G>A on transcript NM_007055.4 (MANE Select); coding-DNA position 1366, G replaced by A.
Protein change: p.Asp456Asn; replaces aspartic acid 456 with asparagine.
Molecular consequence: missense variant.
Genome position (GRCh38, 1-based): chr10:78,017,640, C>T on the plus strand (G>A on the coding strand, the complement: POLR3A is on the minus strand). VCF-style: chr10-78017640-C-T. GRCh37 (hg19) VCF-style: chr10-79777398-C-T.
Other names: c.1366G>A (NM_007055.3); short protein forms D456N.
Identifiers: ClinVar variation 1517754 (VCV001517754.5), dbSNP rs199904242, ClinGen allele CA5571462.

ClinVar aggregate classification (germline): Uncertain significance. Review status: criteria provided, multiple submitters, no conflicts (2 of 4 stars). 2 submissions from 2 submitters: Uncertain significance (2). Last evaluated 2026-01-26.

Conditions:
Inborn genetic diseases. Identifiers: MedGen C0950123, MeSH D030342.

Allele frequency attached by ClinVar (database versions not stated): gnomAD exomes 0.00002 and 0.00007; ExAC 0.00003; gnomAD 0.00015; TOPMed 0.00015; 1000 Genomes Project 30x 0.00016; 1000 Genomes Project 0.00020.
gnomAD v4.1: 54 of 1,613,324 alleles (0.0033%); highest among the groups gnomAD compares: Admixed American, 0.06%; no homozygotes.

Submissions (2):

Labcorp Genetics (formerly Invitae), Labcorp
Classification: Uncertain significance. Last evaluated: 2026-01-26. Review status: criteria provided, single submitter. Criteria: Invitae Variant Classification Sherloc (09022015). Collection method: clinical testing. Allele origin: germline.
Comment: This sequence change replaces aspartic acid, which is acidic and polar, with asparagine, which is neutral and polar, at codon 456 of the POLR3A protein (p.Asp456Asn). This variant is present in population databases (rs199904242, gnomAD 0.04%). This variant has not been reported in the literature in individuals affected with POLR3A-related conditions. ClinVar contains an entry for this variant (Variation ID: 1517754). Invitae Evidence Modeling of protein sequence and biophysical properties (such as structural, functional, and spatial information, amino acid conservation, physicochemical variation, residue mobility, and thermodynamic stability) indicates that this missense variant is not expected to disrupt POLR3A protein function with a negative predictive value of 80%. In summary, the available evidence is currently insufficient to determine the role of this variant in disease. Therefore, it has been classified as a Variant of Uncertain Significance.

Ambry Genetics
Classification: Uncertain significance for Inborn genetic diseases. Last evaluated: 2022-09-16. Review status: criteria provided, single submitter. Criteria: Ambry Variant Classification Scheme 2023. Collection method: clinical testing. Allele origin: germline.